The following is an entry in ClinVar:

NM_001369369.1(FOXN1):c.253G>A (p.Gly85Ser)

Gene: FOXN1 (forkhead box N1; plus strand). Cytogenetic location: 17q11.2.
Variant type: single nucleotide variant.
Coding change: c.253G>A on transcript NM_001369369.1 (MANE Select); coding-DNA position 253, G replaced by A.
Protein change: p.Gly85Ser; replaces glycine 85 with serine.
Molecular consequence: missense variant.
Genome position (GRCh38, 1-based): chr17:28,524,632, G>A. VCF-style: chr17-28524632-G-A. GRCh37 (hg19) VCF-style: chr17-26851650-G-A.
Other names: c.253G>A, p.Gly85Ser (NM_003593.3); short protein forms G85S.
Identifiers: ClinVar variation 1022201 (VCV001022201.3), dbSNP rs752348608, ClinGen allele CA398320937.

ClinVar aggregate classification (germline): Uncertain significance (1 of 4 stars; one submission).

Conditions:
T-cell immunodeficiency, congenital alopecia, and nail dystrophy. Also called: Congenital alopecia and nail dystrophy associated with severe functional T-cell immunodeficiency; Pignata Guarino syndrome. Identifiers: Orphanet 169095, MedGen C1866426, MONDO:0011132, OMIM 601705.

Allele frequency attached by ClinVar (database versions not stated): TOPMed below 0.00001; gnomAD 0.00001.
gnomAD v4.1: 7 of 1,613,532 alleles (0.00043%); highest among the groups gnomAD compares: South Asian, 0.0011%; no homozygotes.

Submission:

Labcorp Genetics (formerly Invitae), Labcorp
Classification: Uncertain significance for T-cell immunodeficiency, congenital alopecia, and nail dystrophy. Last evaluated: 2025-05-25. Review status: criteria provided, single submitter. Criteria: Invitae Variant Classification Sherloc (09022015). Collection method: clinical testing. Allele origin: germline.
Comment: This sequence change replaces glycine, which is neutral and non-polar, with serine, which is neutral and polar, at codon 85 of the FOXN1 protein (p.Gly85Ser). This variant is present in population databases (no rsID available, gnomAD 0.004%). This variant has not been reported in the literature in individuals affected with FOXN1-related conditions. ClinVar contains an entry for this variant (Variation ID: 1022201). Invitae Evidence Modeling of protein sequence and biophysical properties (such as structural, functional, and spatial information, amino acid conservation, physicochemical variation, residue mobility, and thermodynamic stability) indicates that this missense variant is not expected to disrupt FOXN1 protein function with a negative predictive value of 80%. In summary, the available evidence is currently insufficient to determine the role of this variant in disease. Therefore, it has been classified as a Variant of Uncertain Significance.